The following is an entry in ClinVar:

ClinVar aggregate classification (germline): Uncertain significance (1 of 4 stars; one submission).

Conditions:
Trichorhinophalangeal dysplasia type I (TRPS1). Also called: TRICHORHINOPHALANGEAL SYNDROME, TYPE I; TRPS I. Identifiers: Orphanet 77258, MedGen C0432233, MONDO:0008596, OMIM 190350.
Trichorhinophalangeal syndrome, type III (TRPS3). Also called: SUGIO-KAJII SYNDROME. Identifiers: Orphanet 77258, MedGen C1860823, OMIM 190351, MONDO:0008597.

Submission:

Labcorp Genetics (formerly Invitae), Labcorp
Classification: Uncertain significance for Trichorhinophalangeal syndrome, type III; Trichorhinophalangeal dysplasia type I. Last evaluated: 2023-01-19. Review status: criteria provided, single submitter. Criteria: Invitae Variant Classification Sherloc (09022015). Collection method: clinical testing. Allele origin: germline.
Comment: This variant is not present in population databases (gnomAD no frequency). In summary, the available evidence is currently insufficient to determine the role of this variant in disease. Therefore, it has been classified as a Variant of Uncertain Significance. Advanced modeling of protein sequence and biophysical properties (such as structural, functional, and spatial information, amino acid conservation, physicochemical variation, residue mobility, and thermodynamic stability) performed at Invitae indicates that this missense variant is not expected to disrupt TRPS1 protein function. This variant has not been reported in the literature in individuals affected with TRPS1-related conditions. This sequence change replaces glutamic acid, which is acidic and polar, with glycine, which is neutral and non-polar, at codon 71 of the TRPS1 protein (p.Glu71Gly).

NM_014112.5(TRPS1):c.212A>G (p.Glu71Gly)

Gene: TRPS1 (transcriptional repressor GATA binding 1; minus strand). Cytogenetic location: 8q23.3.
Variant type: single nucleotide variant.
Coding change: c.212A>G on transcript NM_014112.5 (MANE Select); coding-DNA position 212, A replaced by G.
Protein change: p.Glu71Gly; replaces glutamic acid 71 with glycine.
Molecular consequence: missense variant.
Genome position (GRCh38, 1-based): chr8:115,619,886, T>C on the plus strand (A>G on the coding strand, the complement: TRPS1 is on the minus strand). VCF-style: chr8-115619886-T-C. GRCh37 (hg19) VCF-style: chr8-116632113-T-C.
Other names: c.185A>G, p.Glu62Gly (NM_001282902.3); c.191A>G, p.Glu64Gly (NM_001282903.3); c.173A>G, p.Glu58Gly (NM_001330599.2); short protein forms E58G, E64G, E62G, E71G.
Identifiers: ClinVar variation 2942309 (VCV002942309.3), dbSNP rs2536915952, ClinGen allele CA372070130.